The following is an entry in ClinVar:

NM_000038.6(APC):c.423-2829A>C

Gene: APC (APC regulator of WNT signaling pathway; plus strand). Cytogenetic location: 5q22.2.
Variant type: single nucleotide variant.
Coding change: c.423-2829A>C on transcript NM_000038.6 (MANE Select); 2829 bases into the intron before coding-DNA position 423, A replaced by C.
Molecular consequence: intron variant.
Genome position (GRCh38, 1-based): chr5:112,772,800, A>C. VCF-style: chr5-112772800-A-C. GRCh37 (hg19) VCF-style: chr5-112108497-A-C.
Other names: c.423-2829A>C (NM_001354895.2, NM_001127510.3, NM_001354896.2 and 2 more transcripts); c.453-2829A>C (NM_001354897.2, NM_001354902.2, NM_001127511.3); c.348-2829A>C (NM_001354898.2, NM_001354904.2); c.-613-2829A>C (NM_001354906.2); c.246-2829A>C (NM_001354900.2, NM_001354901.2, NM_001354905.2).
Identifiers: ClinVar variation 82895 (VCV000082895.2), dbSNP rs79915536, ClinGen allele CA009248.

ClinVar aggregate classification (germline): other (0 of 4 stars; one submission).

Conditions:
Familial colorectal cancer. Identifiers: MedGen CN280943, MONDO:0023113. Disease mechanism: loss of function.

Submission:

Systems Biology Platform Zhejiang California International NanoSystems Institute
Classification: other for Familial colorectal cancer. Review status: no assertion criteria provided. Collection method: not provided. Allele origin: unknown.
ClinVar note: Converted during submission from cancer to other.